The following is an entry in ClinVar:

NC_012920.1(MT-CYB):m.15203A>G

Gene: MT-CYB (mitochondrially encoded cytochrome b; plus strand).
Variant type: single nucleotide variant.
Genome position: chrM-15203-A-G.
Identifiers: ClinVar variation 693839 (VCV000693839.1), dbSNP rs1603225143, ClinGen allele CA913173233.

ClinVar aggregate classification (germline): Benign (1 of 4 stars; one submission).

Conditions:
Leigh syndrome (NULS). Also called: Leigh's necrotizing encephalopathy; Leigh's disease; Leigh's syndrome; LEIGH SYNDROME, NUCLEAR; Leigh Syndrome (mtDNA deletion); Leigh Disease. Identifiers: Orphanet 506, MedGen C2931891, MONDO:0009723, OMIM 256000.

Submission:

Wong Mito Lab, Molecular and Human Genetics, Baylor College of Medicine
Classification: Benign for Leigh syndrome. Last evaluated: 2019-10-17. Review status: criteria provided, single submitter. Criteria: Modified ACMG Guidelines (Unpublished). Collection method: clinical testing. Allele origin: germline.
Comment: The NC_012920.1:m.15203A>G (YP_003024038.1:p.Ile153Val) variant in MTCYB gene is interpretated to be a Benign variant based on the modified ACMG guidelines (unpublished). This variant meets the following evidence codes: BS1, BS2, BP4